The following is an entry in ClinVar:

ClinVar aggregate classification (germline): Uncertain significance (1 of 4 stars; one submission).

Submission:

Labcorp Genetics (formerly Invitae), Labcorp
Classification: Uncertain significance. Last evaluated: 2025-04-17. Review status: criteria provided, single submitter. Criteria: Invitae Variant Classification Sherloc (09022015). Collection method: clinical testing. Allele origin: germline.
Comment: This sequence change replaces proline, which is neutral and non-polar, with serine, which is neutral and polar, at codon 2028 of the NBAS protein (p.Pro2028Ser). This variant is not present in population databases (gnomAD no frequency). This variant has not been reported in the literature in individuals affected with NBAS-related conditions. ClinVar contains an entry for this variant (Variation ID: 1490483). Invitae Evidence Modeling of protein sequence and biophysical properties (such as structural, functional, and spatial information, amino acid conservation, physicochemical variation, residue mobility, and thermodynamic stability) indicates that this missense variant is not expected to disrupt NBAS protein function with a negative predictive value of 95%. In summary, the available evidence is currently insufficient to determine the role of this variant in disease. Therefore, it has been classified as a Variant of Uncertain Significance.

NM_015909.4(NBAS):c.6082C>T (p.Pro2028Ser)

Gene: NBAS (NBAS subunit of NRZ tethering complex; minus strand). Cytogenetic location: 2p24.3.
Variant type: single nucleotide variant.
Coding change: c.6082C>T on transcript NM_015909.4 (MANE Select); coding-DNA position 6082, C replaced by T.
Protein change: p.Pro2028Ser; replaces proline 2028 with serine.
Molecular consequence: missense variant. On other transcripts: non-coding transcript variant (1).
Genome position (GRCh38, 1-based): chr2:15,234,609, G>A on the plus strand (C>T on the coding strand, the complement: NBAS is on the minus strand). VCF-style: chr2-15234609-G-A. GRCh37 (hg19) VCF-style: chr2-15374733-G-A.
Other names: short protein forms P2028S.
Identifiers: ClinVar variation 1490483 (VCV001490483.6), dbSNP rs1572496798, ClinGen allele CA345888473.